The following is an entry in ClinVar:

NM_001283009.2(RTEL1):c.2653G>A (p.Glu885Lys)

Genes: RTEL1 (regulator of telomere elongation helicase 1; plus strand), RTEL1-TNFRSF6B (RTEL1-TNFRSF6B readthrough (NMD candidate); plus strand). Cytogenetic location: 20q13.33.
Variant type: single nucleotide variant.
Coding change: c.2653G>A on transcript NM_001283009.2 (MANE Select); coding-DNA position 2653, G replaced by A.
Protein change: p.Glu885Lys; replaces glutamic acid 885 with lysine.
Molecular consequence: missense variant. On other transcripts: non-coding transcript variant (1).
Genome position (GRCh38, 1-based): chr20:63,692,805, G>A. VCF-style: chr20-63692805-G-A. GRCh37 (hg19) VCF-style: chr20-62324158-G-A.
Other names: c.1984G>A, p.Glu662Lys (NM_001283010.1); c.2653G>A, p.Glu885Lys (NM_016434.4); c.2725G>A, p.Glu909Lys (NM_032957.5); short protein forms E662K, E885K, E909K.
Identifiers: ClinVar variation 4629544 (VCV004629544.1).

ClinVar aggregate classification (germline): Uncertain significance (1 of 4 stars; one submission).

Conditions:
Inborn genetic diseases. Identifiers: MedGen C0950123, MeSH D030342.

Submission:

Ambry Genetics
Classification: Uncertain significance for Inborn genetic diseases. Last evaluated: 2025-10-16. Review status: criteria provided, single submitter. Criteria: Ambry Variant Classification Scheme 2023. Collection method: clinical testing. Allele origin: germline.
Comment: The p.E885K variant (also known as c.2653G>A) is located in coding exon 28 of the RTEL1 gene. The glutamic acid at codon 885 is replaced by lysine, an amino acid with similar properties. This change occurs in the first base pair of coding exon 28. This amino acid position is conserved. In addition, this alteration is predicted to be tolerated by in silico analysis. Based on the available evidence, the clinical significance of this variant remains unclear.